The following is an entry in ClinVar:

NM_016284.5(CNOT1):c.2970+9C>G

Gene: CNOT1 (CCR4-NOT transcription complex subunit 1; minus strand). Cytogenetic location: 16q21.
Variant type: single nucleotide variant.
Coding change: c.2970+9C>G on transcript NM_016284.5 (MANE Select); 9 bases into the intron after coding-DNA position 2970, C replaced by G.
Molecular consequence: intron variant.
Genome position (GRCh38, 1-based): chr16:58,553,773, G>C on the plus strand (C>G on the coding strand, the complement: CNOT1 is on the minus strand). VCF-style: chr16-58553773-G-C. GRCh37 (hg19) VCF-style: chr16-58587677-G-C.
Other names: c.2955+9C>G (NM_001265612.2); c.2970+9C>G (NM_206999.3).
Identifiers: ClinVar variation 3039105 (VCV003039105.2), dbSNP rs2040536624, ClinGen allele CA2225128277.
Genomic context (GRCh38, chr16:58,553,773, plus strand): 5'-AAAAGCCAAAATATTAAACCCTCCAAATACTACATAGCTATTTGGGTTTTAGTTACAGAG[G>C]GCACTTACCTCCTGTAAATGATGTGGAAATTGCATAAAGTGACTGATAGAAGCCAAATGC-3'

ClinVar aggregate classification (germline): Likely benign (0 of 4 stars; one submission).

Conditions:
CNOT1-related disorder. Also called: CNOT1-related condition.

Allele frequency attached by ClinVar (database versions not stated): TOPMed below 0.00001.
gnomAD v4.1: 1 of 1,607,624 alleles (0.000062%); no homozygotes.

Submission:

PreventionGenetics, part of Exact Sciences
Classification: Likely benign for CNOT1-related condition. Last evaluated: 2019-05-23. Review status: no assertion criteria provided. Collection method: clinical testing. Allele origin: germline.
Comment: This variant is classified as likely benign based on ACMG/AMP sequence variant interpretation guidelines (Richards et al. 2015 PMID: 25741868, with internal and published modifications).